The following is an entry in ClinVar:

ClinVar aggregate classification (germline): Uncertain significance (1 of 4 stars; one submission).

Conditions:
Epidermolysis bullosa simplex with nail dystrophy (EBS5D). Identifiers: MedGen C4225309, MONDO:0014661, OMIM 616487.
Epidermolysis bullosa simplex, Ogna type (EBS5A). Also called: Pidermolysis bullosa simplex 5A, Ogna type; EPIDERMOLYSIS BULLOSA SIMPLEX 5A, OGNA TYPE. Identifiers: Orphanet 79401, MedGen C0432317, MONDO:0007555, OMIM 131950.
Autosomal recessive limb-girdle muscular dystrophy type 2Q (LGMDR17). Also called: MUSCULAR DYSTROPHY, LIMB-GIRDLE, AUTOSOMAL RECESSIVE 17. Identifiers: Orphanet 254361, MedGen C3150989, MONDO:0013390, OMIM 613723.
Epidermolysis bullosa simplex 5B, with muscular dystrophy (EBS5B). Also called: EPIDERMOLYSIS BULLOSA SIMPLEX AND LIMB-GIRDLE MUSCULAR DYSTROPHY; Epidermolysis bullosa simplex with muscular dystrophy. Identifiers: Orphanet 257, MedGen C2931072, MONDO:0009181, OMIM 226670.
Epidermolysis bullosa simplex 5C, with pyloric atresia (EBS5C). Also called: PLEC-Related Epidermolysis Bullosa with Pyloric Atresia; Epidermolysis bullosa simplex with pyloric atresia; PLEC1-Related Epidermolysis Bullosa with Pyloric Atresia. Identifiers: Orphanet 158684, MedGen C2677349, MONDO:0012807, OMIM 612138.

gnomAD v4.1: 2 of 1,613,086 alleles (0.00012%); highest among the groups gnomAD compares: Non-Finnish European, 0.00017%; no homozygotes.

Submission:

Labcorp Genetics (formerly Invitae), Labcorp
Classification: Uncertain significance for Autosomal recessive limb-girdle muscular dystrophy type 2Q; Epidermolysis bullosa simplex, Ogna type; Epidermolysis bullosa simplex with nail dystrophy; Epidermolysis bullosa simplex 5C, with pyloric atresia; Epidermolysis bullosa simplex 5B, with muscular dystrophy. Last evaluated: 2024-10-30. Review status: criteria provided, single submitter. Criteria: Invitae Variant Classification Sherloc (09022015). Collection method: clinical testing. Allele origin: germline.
Comment: This sequence change replaces arginine, which is basic and polar, with proline, which is neutral and non-polar, at codon 3490 of the PLEC protein (p.Arg3490Pro). This variant is not present in population databases (gnomAD no frequency). This variant has not been reported in the literature in individuals affected with PLEC-related conditions. Invitae Evidence Modeling of protein sequence and biophysical properties (such as structural, functional, and spatial information, amino acid conservation, physicochemical variation, residue mobility, and thermodynamic stability) indicates that this missense variant is not expected to disrupt PLEC protein function with a negative predictive value of 80%. In summary, the available evidence is currently insufficient to determine the role of this variant in disease. Therefore, it has been classified as a Variant of Uncertain Significance.

NM_201384.3(PLEC):c.10388G>C (p.Arg3463Pro)

Gene: PLEC (plectin; minus strand). Cytogenetic location: 8q24.3.
Variant type: single nucleotide variant.
Coding change: c.10388G>C on transcript NM_201384.3 (MANE Select); coding-DNA position 10388, G replaced by C.
Protein change: p.Arg3463Pro; replaces arginine 3463 with proline.
Molecular consequence: missense variant.
Genome position (GRCh38, 1-based): chr8:143,919,433, C>G on the plus strand (G>C on the coding strand, the complement: PLEC is on the minus strand). VCF-style: chr8-143919433-C-G. GRCh37 (hg19) VCF-style: chr8-144993601-C-G.
Other names: c.10469G>C, p.Arg3490Pro (NM_000445.5); c.7088G>C, p.Arg2363Pro (NM_001410941.1); c.10346G>C, p.Arg3449Pro (NM_201378.4); c.10322G>C, p.Arg3441Pro (NM_201379.3); c.10799G>C, p.Arg3600Pro (NM_201380.4); c.10292G>C, p.Arg3431Pro (NM_201381.3); c.10388G>C, p.Arg3463Pro (NM_201382.4); c.10400G>C, p.Arg3467Pro (NM_201383.3); short protein forms R2363P, R3431P, R3441P, R3449P, R3463P, R3467P, R3490P, R3600P.
Identifiers: ClinVar variation 3758491 (VCV003758491.2).